The following is an entry in ClinVar:

ClinVar aggregate classification (germline): Uncertain significance (1 of 4 stars; one submission).

Allele frequency attached by ClinVar (database versions not stated): gnomAD exomes below 0.00001.

Submission:

Labcorp Genetics (formerly Invitae), Labcorp
Classification: Uncertain significance. Last evaluated: 2021-12-23. Review status: criteria provided, single submitter. Criteria: Invitae Variant Classification Sherloc (09022015). Collection method: clinical testing. Allele origin: germline.
Comment: This sequence change replaces glycine, which is neutral and non-polar, with serine, which is neutral and polar, at codon 694 of the LIFR protein (p.Gly694Ser). This variant is not present in population databases (gnomAD no frequency). This variant has not been reported in the literature in individuals affected with LIFR-related conditions. Algorithms developed to predict the effect of missense changes on protein structure and function are either unavailable or do not agree on the potential impact of this missense change (SIFT: "Tolerated"; PolyPhen-2: "Probably Damaging"; Align-GVGD: "Class C0"). In summary, the available evidence is currently insufficient to determine the role of this variant in disease. Therefore, it has been classified as a Variant of Uncertain Significance.

NM_001127671.2(LIFR):c.2080G>A (p.Gly694Ser)

Gene: LIFR (LIF receptor subunit alpha; minus strand). Cytogenetic location: 5p13.1.
Variant type: single nucleotide variant.
Coding change: c.2080G>A on transcript NM_001127671.2 (MANE Select); coding-DNA position 2080, G replaced by A.
Protein change: p.Gly694Ser; replaces glycine 694 with serine.
Molecular consequence: missense variant.
Genome position (GRCh38, 1-based): chr5:38,490,277, C>T on the plus strand (G>A on the coding strand, the complement: LIFR is on the minus strand). VCF-style: chr5-38490277-C-T. GRCh37 (hg19) VCF-style: chr5-38490379-C-T.
Other names: c.2080G>A, p.Gly694Ser (NM_001364297.2, NM_001364298.2, NM_002310.6); short protein forms G694S.
Identifiers: ClinVar variation 1945386 (VCV001945386.5), dbSNP rs2530973533, ClinGen allele CA359537984.